The following is an entry in ClinVar:

NM_001552.3(IGFBP4):c.375C>T (p.Asn125=)

Gene: IGFBP4 (insulin like growth factor binding protein 4; plus strand). Cytogenetic location: 17q21.2.
Variant type: single nucleotide variant.
Coding change: c.375C>T on transcript NM_001552.3 (MANE Select); coding-DNA position 375, C replaced by T.
Protein change: p.Asn125=; no amino-acid change (asparagine 125 retained).
Molecular consequence: synonymous variant.
Genome position (GRCh38, 1-based): chr17:40,453,010, C>T. VCF-style: chr17-40453010-C-T. GRCh37 (hg19) VCF-style: chr17-38609262-C-T.
Identifiers: ClinVar variation 2647740 (VCV002647740.24), dbSNP rs143445546, ClinGen allele CA8543966.
Genomic context (GRCh38, chr17:40,453,010, plus strand): 5'-GGTGCTGACCTCTCCTTATCGCTACCTGAATACAGACAAGGACGAGGGTGACCACCCCAA[C>T]AACAGCTTCAGCCCCTGTAGCGCCCATGACCGCAGGTGCCTGCAGAAGCACTTCGCCAAA-3'
Protein context (NP_001543.2, residues 115-135): PSDKDEGDHP[Asn125=]NSFSPCSAHD

ClinVar aggregate classification (germline): Likely benign (1 of 4 stars; one submission).

Allele frequency attached by ClinVar (database versions not stated): 1000 Genomes Project 0.00040; 1000 Genomes Project 30x 0.00078; gnomAD 0.00094; ESP Exome Variant Server 0.00123; TOPMed 0.00143.
gnomAD v4.1: 2,170 of 1,566,752 alleles (0.14%); highest among the groups gnomAD compares: Admixed American, 0.18%; 1 homozygote.

Submission:

CeGaT Center for Human Genetics Tuebingen
Classification: Likely benign. Last evaluated: 2022-11-01. Review status: criteria provided, single submitter. Criteria: CeGaT Center For Human Genetics Tuebingen Variant Classification Criteria Version 2. Collection method: clinical testing. Allele origin: germline. Affected: yes. Observed: 1 variant allele.
Comment: IGFBP4: BP4, BP7